The following is an entry in ClinVar:

NM_022124.6(CDH23):c.5369-2A>G

Gene: CDH23 (cadherin related 23; plus strand). Cytogenetic location: 10q22.1.
Variant type: single nucleotide variant.
Coding change: c.5369-2A>G on transcript NM_022124.6 (MANE Select); the canonical splice acceptor site of the intron before coding-DNA position 5369, A replaced by G.
Molecular consequence: splice acceptor variant.
Genome position (GRCh38, 1-based): chr10:71,784,285, A>G. VCF-style: chr10-71784285-A-G. GRCh37 (hg19) VCF-style: chr10-73544042-A-G.
Identifiers: ClinVar variation 1484739 (VCV001484739.7), dbSNP rs2132938020, ClinGen allele CA377144290.
Genomic context (GRCh38, chr10:71,784,285, plus strand): 5'-CTGGGGTCTCCACAGTTCCTGCCAATGCCCGACTAACTTGGGCCTCTCCTGGTGACACCC[A>G]GGGGAGTTTGTGATCTCTCCTGTGGAGGGGGTGCTAAGGGTCCGGAAGGACGTGGAGCTG-3'

ClinVar aggregate classification (germline): Likely pathogenic (1 of 4 stars; one submission).

Submissions (2):

Labcorp Genetics (formerly Invitae), Labcorp
Classification: Likely pathogenic. Last evaluated: 2021-10-12. Review status: criteria provided, single submitter. Criteria: Invitae Variant Classification Sherloc (09022015). Collection method: clinical testing. Allele origin: germline.
Comment: In summary, the currently available evidence indicates that the variant is pathogenic, but additional data are needed to prove that conclusively. Therefore, this variant has been classified as Likely Pathogenic. Algorithms developed to predict the effect of sequence changes on RNA splicing suggest that this variant may disrupt the consensus splice site. This variant has not been reported in the literature in individuals affected with CDH23-related conditions. This variant is not present in population databases (ExAC no frequency). This sequence change affects an acceptor splice site in intron 41 of the CDH23 gene. It is expected to disrupt RNA splicing. Variants that disrupt the donor or acceptor splice site typically lead to a loss of protein function (PMID: 16199547), and loss-of-function variants in CDH23 are known to be pathogenic (PMID: 11138009, 21940737).

Dr. Peter K. Rogan Lab, Western University
No classification provided (evidence only). Condition: Thyroid cancer, nonmedullary, 1. Review status: no classification provided. Collection method: in vitro. Allele origin: not applicable. Functional consequence: retained intron. Not counted in ClinVar's aggregate classification.

Literature cited by the submitters: PubMed 16199547 (cited by Labcorp Genetics (formerly Invitae), Labcorp); PubMed 11138009 (cited by Labcorp Genetics (formerly Invitae), Labcorp); PubMed 21940737 (cited by Labcorp Genetics (formerly Invitae), Labcorp).